The following is an entry in ClinVar:

NM_012330.4(KAT6B):c.5434T>C (p.Ser1812Pro)

Gene: KAT6B (lysine acetyltransferase 6B; plus strand). Cytogenetic location: 10q22.2.
Variant type: single nucleotide variant.
Coding change: c.5434T>C on transcript NM_012330.4 (MANE Select); coding-DNA position 5434, T replaced by C.
Protein change: p.Ser1812Pro; replaces serine 1812 with proline.
Molecular consequence: missense variant.
Genome position (GRCh38, 1-based): chr10:75,030,258, T>C. VCF-style: chr10-75030258-T-C. GRCh37 (hg19) VCF-style: chr10-76790016-T-C.
Other names: c.4885T>C, p.Ser1629Pro (NM_001256468.2, NM_001370138.1); c.4558T>C, p.Ser1520Pro (NM_001256469.2, NM_001370139.1, NM_001370140.1 and 2 more transcripts); c.4396T>C, p.Ser1466Pro (NM_001370132.1); c.3745T>C, p.Ser1249Pro (NM_001370133.1); c.3349T>C, p.Ser1117Pro (NM_001370134.1); c.3091T>C, p.Ser1031Pro (NM_001370135.1); c.5434T>C, p.Ser1812Pro (NM_001370136.1, NM_001370137.1); c.4369T>C, p.Ser1457Pro (NM_001370143.1, NM_001370144.1); short protein forms S1117P, S1249P, S1520P, S1457P, S1466P, S1812P, S1629P, S1031P.
Identifiers: ClinVar variation 2045346 (VCV002045346.5), dbSNP rs200728982, ClinGen allele CA5565202.

ClinVar aggregate classification (germline): Uncertain significance. Review status: criteria provided, multiple submitters, no conflicts (2 of 4 stars). 2 submissions from 2 submitters: Uncertain significance (2). Last evaluated 2025-08-21.

Conditions:
Blepharophimosis - intellectual disability syndrome, SBBYS type (SBBYSS). Also called: Say-Barber-Biesecker variant of Ohdo syndrome (SBBYSS); Say-Barber-Biesecker-Young-Simpson variant of Ohdo Syndrome; Say-Barber-Biesecker Variant of Ohdo Syndrome; Young Simpson syndrome; Mental retardation unusual facies hypothyroidism; Ohdo syndrome, SBBYS variant. Identifiers: Orphanet 3047, MedGen C1863557, MONDO:0011365, OMIM 603736.
Genitopatellar syndrome (GTPTS). Also called: Genitopatellar syndrome (GPS); ABSENT PATELLAE, SCROTAL HYPOPLASIA, RENAL ANOMALIES, FACIAL DYSMORPHISM, AND MENTAL RETARDATION. Identifiers: Orphanet 85201, MedGen C1853566, MONDO:0011640, OMIM 606170.

Allele frequency attached by ClinVar (database versions not stated): gnomAD exomes 0.00001; TOPMed 0.00001; ExAC 0.00002; gnomAD 0.00005; 1000 Genomes Project 0.00100; 1000 Genomes Project 30x 0.00109.
gnomAD v4.1: 18 of 1,614,228 alleles (0.0011%); highest among the groups gnomAD compares: East Asian, 0.022%; no homozygotes.

Submissions (2):

Labcorp Genetics (formerly Invitae), Labcorp
Classification: Uncertain significance for Genitopatellar syndrome. Last evaluated: 2025-08-21. Review status: criteria provided, single submitter. Criteria: Invitae Variant Classification Sherloc (09022015). Collection method: clinical testing. Allele origin: germline.
Comment: This sequence change replaces serine, which is neutral and polar, with proline, which is neutral and non-polar, at codon 1812 of the KAT6B protein (p.Ser1812Pro). This variant is present in population databases (rs200728982, gnomAD 0.03%). This variant has not been reported in the literature in individuals affected with KAT6B-related conditions. ClinVar contains an entry for this variant (Variation ID: 2045346). An algorithm developed to predict the effect of missense changes on protein structure and function (PolyPhen-2) suggests that this variant is likely to be disruptive. In summary, the available evidence is currently insufficient to determine the role of this variant in disease. Therefore, it has been classified as a Variant of Uncertain Significance.

Fulgent Genetics
Classification: Uncertain significance for Blepharophimosis - intellectual disability syndrome, SBBYS type; Genitopatellar syndrome. Last evaluated: 2024-03-25. Review status: criteria provided, single submitter. Criteria: ACMG Guidelines, 2015. Collection method: clinical testing. Allele origin: germline.